The following is an entry in ClinVar:

ClinVar aggregate classification (germline): Uncertain significance (1 of 4 stars; one submission).

Allele frequency attached by ClinVar (database versions not stated): TOPMed below 0.00001; ExAC 0.00001.
gnomAD v4.1: 1 of 1,613,904 alleles (0.000062%); highest among the groups gnomAD compares: African/African-American, 0.0013%; no homozygotes.

Submission:

Labcorp Genetics (formerly Invitae), Labcorp
Classification: Uncertain significance. Last evaluated: 2022-04-18. Review status: criteria provided, single submitter. Criteria: Invitae Variant Classification Sherloc (09022015). Collection method: clinical testing. Allele origin: germline.
Comment: This sequence change replaces alanine, which is neutral and non-polar, with serine, which is neutral and polar, at codon 1350 of the LAMB1 protein (p.Ala1350Ser). This variant is present in population databases (rs769769014, gnomAD 0.007%). In summary, the available evidence is currently insufficient to determine the role of this variant in disease. Therefore, it has been classified as a Variant of Uncertain Significance. Algorithms developed to predict the effect of missense changes on protein structure and function are either unavailable or do not agree on the potential impact of this missense change (SIFT: "Deleterious"; PolyPhen-2: "Benign"; Align-GVGD: "Class C65"). This variant has not been reported in the literature in individuals affected with LAMB1-related conditions.

NM_002291.3(LAMB1):c.4048G>T (p.Ala1350Ser)

Gene: LAMB1 (laminin subunit beta 1; minus strand). Cytogenetic location: 7q31.1.
Variant type: single nucleotide variant.
Coding change: c.4048G>T on transcript NM_002291.3 (MANE Select); coding-DNA position 4048, G replaced by T.
Protein change: p.Ala1350Ser; replaces alanine 1350 with serine.
Molecular consequence: missense variant.
Genome position (GRCh38, 1-based): chr7:107,935,555, C>A on the plus strand (G>T on the coding strand, the complement: LAMB1 is on the minus strand). VCF-style: chr7-107935555-C-A. GRCh37 (hg19) VCF-style: chr7-107576000-C-A.
Other names: short protein forms A1350S.
Identifiers: ClinVar variation 2102314 (VCV002102314.4), dbSNP rs769769014, ClinGen allele CA4435162.
Genomic context (GRCh38, chr7:107,935,555, plus strand): 5'-TTTCCTTGAACTGGGATTCTCGCTCCATCATCACGTCTTCTACTCTGTCTCTCATGAGGG[C>A]TGACTGCTCCACAGTGCTGTTGGGTTCTGTGGTGGAGGCATTCACCCTCTCCTCTGCCTC-3'
Protein context (NP_002282.2, residues 1340-1360): TEPNSTVEQS[Ala1350Ser]LMRDRVEDVM